The following is an entry in ClinVar:

ClinVar aggregate classification (germline): Uncertain significance (1 of 4 stars; one submission).

Submission:

Labcorp Genetics (formerly Invitae), Labcorp
Classification: Uncertain significance. Last evaluated: 2024-05-22. Review status: criteria provided, single submitter. Criteria: Invitae Variant Classification Sherloc (09022015). Collection method: clinical testing. Allele origin: germline.
Comment: This sequence change replaces arginine, which is basic and polar, with cysteine, which is neutral and slightly polar, at codon 405 of the ATP5A1 protein (p.Arg405Cys). This variant is present in population databases (rs201477144, gnomAD 0.02%). This variant has not been reported in the literature in individuals affected with ATP5A1-related conditions. Advanced modeling of protein sequence and biophysical properties (such as structural, functional, and spatial information, amino acid conservation, physicochemical variation, residue mobility, and thermodynamic stability) performed at Invitae indicates that this missense variant is expected to disrupt ATP5A1 protein function with a positive predictive value of 80%. In summary, the available evidence is currently insufficient to determine the role of this variant in disease. Therefore, it has been classified as a Variant of Uncertain Significance.

NM_004046.6(ATP5F1A):c.1213C>T (p.Arg405Cys)

Gene: ATP5F1A (ATP synthase F1 subunit alpha; minus strand). Cytogenetic location: 18q21.1.
Variant type: single nucleotide variant.
Coding change: c.1213C>T on transcript NM_004046.6 (MANE Select); coding-DNA position 1213, C replaced by T.
Protein change: p.Arg405Cys; replaces arginine 405 with cysteine.
Molecular consequence: missense variant.
Genome position (GRCh38, 1-based): chr18:46,086,458, G>A on the plus strand (C>T on the coding strand, the complement: ATP5F1A is on the minus strand). VCF-style: chr18-46086458-G-A. GRCh37 (hg19) VCF-style: chr18-43666424-G-A.
Other names: c.1063C>T, p.Arg355Cys (NM_001001935.3, NM_001257335.2); c.1213C>T, p.Arg405Cys (NM_001001937.2); c.1147C>T, p.Arg383Cys (NM_001257334.2); short protein forms R355C, R383C, R405C.
Identifiers: ClinVar variation 3624846 (VCV003624846.2).